The following is an entry in ClinVar:

ClinVar aggregate classification (germline): Uncertain significance (1 of 4 stars; one submission).

Conditions:
Fanconi anemia (FA). Also called: Fanconi's anemia. Identifiers: Orphanet 84, MedGen C0015625, MeSH D005199, MONDO:0019391.

Submission:

Labcorp Genetics (formerly Invitae), Labcorp
Classification: Uncertain significance for Fanconi anemia. Last evaluated: 2020-03-19. Review status: criteria provided, single submitter. Criteria: Invitae Variant Classification Sherloc (09022015). Collection method: clinical testing. Allele origin: germline.
Comment: In summary, the available evidence is currently insufficient to determine the role of this variant in disease. Therefore, it has been classified as a Variant of Uncertain Significance. Algorithms developed to predict the effect of missense changes on protein structure and function are either unavailable or do not agree on the potential impact of this missense change (SIFT: "Tolerated"; PolyPhen-2: "Possibly Damaging"; Align-GVGD: "Class C0"). This variant has not been reported in the literature in individuals with FANCA-related conditions. This variant is not present in population databases (ExAC no frequency). This sequence change replaces tryptophan with arginine at codon 298 of the FANCA protein (p.Trp298Arg). The tryptophan residue is highly conserved and there is a moderate physicochemical difference between tryptophan and arginine.

NM_000135.4(FANCA):c.892T>C (p.Trp298Arg)

Gene: FANCA (FA complementation group A; minus strand). Cytogenetic location: 16q24.3.
Variant type: single nucleotide variant.
Coding change: c.892T>C on transcript NM_000135.4 (MANE Select); coding-DNA position 892, T replaced by C.
Protein change: p.Trp298Arg; replaces tryptophan 298 with arginine.
Molecular consequence: missense variant. On other transcripts: stop lost (2).
Genome position (GRCh38, 1-based): chr16:89,799,167, A>G on the plus strand (T>C on the coding strand, the complement: FANCA is on the minus strand). VCF-style: chr16-89799167-A-G. GRCh37 (hg19) VCF-style: chr16-89865575-A-G.
Other names: c.892T>C, p.Ter298Arg (NM_001018112.3); c.892T>C, p.Trp298Arg (NM_001286167.3); c.796T>C, p.Ter266Arg (NM_001351830.2); short protein forms W298R.
Identifiers: ClinVar variation 1024559 (VCV001024559.8), dbSNP rs2040352921, ClinGen allele CA397472753.